The following is an entry in ClinVar:

ClinVar aggregate classification (germline): Conflicting classifications of pathogenicity. Review status: criteria provided, conflicting classifications (1 of 4 stars). 2 submissions from 2 submitters: Uncertain significance (1); Likely benign (1). Last evaluated 2021-10-24.

Allele frequency attached by ClinVar (database versions not stated): gnomAD 0.00006; TOPMed 0.00006; gnomAD exomes 0.00007 and 0.00021; ExAC 0.00019.

Submissions (2):

GeneDx
Classification: Likely benign. Last evaluated: 2021-10-24. Review status: criteria provided, single submitter. Criteria: GeneDx Variant Classification Process June 2021. Collection method: clinical testing. Allele origin: germline. Affected: yes.
Comment: See Variant Classification Assertion Criteria.

Laboratory for Molecular Medicine, Mass General Brigham Personalized Medicine
Classification: Uncertain significance. Last evaluated: 2015-10-10. Review status: criteria provided, single submitter. Criteria: LMM Criteria. Collection method: clinical testing. Allele origin: germline. Observed: 1 variant allele.
Comment: The p.Arg39X variant in LRTOMT (NM_001145307.1) has not been previously reported in individuals with hearing loss, but has been identified in 0.15% (16/10440) o f Latino chromosomes by the Exome Aggregation Consortium (ExAC; dbSNP rs780299621). This variant leads to a premature terminatio n codon at position 39 in the NM_001145307.1 transcript of LRTOMT. However, in s everal alternate transcripts of the LRTOMT gene, the variant lies in the 5'UTR a nd its impact on these transcripts is unknown. In addition, the majority of repo rted pathogenic LRTOMT variants are located in the coding exons of these alterna te transcripts, which correspond to noncoding regions in the NM_001145307.1 tran script. Therefore, there is insufficient evidence to determine whether loss of f unction variants affecting the NM_001145307.1 transcript of LRTOMT are causative for hearing loss, and the impact of this variant on alternate transcripts of LR TOMT is not known. In summary, the clinical significance of the p.Arg39X variant in the NM_001145307.1 transcript of LRTOMT is uncertain.

NM_001145308.5(LRTOMT):c.-289C>T

Genes: LRRC51 (leucine rich repeat containing 51; plus strand), LRTOMT (leucine rich transmembrane and O-methyltransferase domain containing; plus strand). Cytogenetic location: 11q13.4.
Variant type: single nucleotide variant.
Coding change: c.-289C>T on transcript NM_001145308.5; 289 bases upstream of the start codon, C replaced by T.
Molecular consequence: 5 prime UTR variant. On other transcripts: nonsense (5), non-coding transcript variant (2).
Genome position (GRCh38, 1-based): chr11:72,093,528, C>T. VCF-style: chr11-72093528-C-T. GRCh37 (hg19) VCF-style: chr11-71804574-C-T.
Other names: c.115C>T, p.Arg39Ter (NM_001145307.5, NM_001271471.3, NM_001318803.2 and 1 more transcripts); c.61C>T, p.Arg21Ter (NM_001205138.4); c.-289C>T (NM_001145309.4, NM_001145310.4); short protein forms R39*, R21*.
Identifiers: ClinVar variation 228838 (VCV000228838.6), dbSNP rs780299621, ClinGen allele CA6168155.